The following is an entry in ClinVar:

ClinVar aggregate classification (germline): Likely pathogenic (1 of 4 stars; one submission).

Conditions:
Renal cysts and diabetes syndrome (RCAD). Also called: Familial hypoplastic, glomerulocystic kidney; MATURITY-ONSET DIABETES OF THE YOUNG, TYPE 5. Identifiers: Orphanet 93111, MedGen C0431693, MONDO:0007669, OMIM 137920.

Submission:

Institute of Human Genetics, FAU Erlangen, Friedrich-Alexander-Universität Erlangen-Nürnberg
Classification: Likely pathogenic for Renal cysts and diabetes syndrome. Last evaluated: 2019-07-06. Review status: criteria provided, single submitter. Criteria: ACMG Guidelines, 2015. Collection method: literature only. Allele origin: germline. Affected: yes.
Comment: This variant and it's classification has been reported by Vasileiou et al. 2019; DOI:10.1101/576918. The variants has previously been reported in PMID:25700310; PMID:16971658; PMID:25536396 as "c.818G>A; c.818G>A" with clinical significance Pathogenic. It has been re-classified using InterVar and manual curation as Likely pathogenic based on PM1 PM2 PM5 PP3 PP5.

Literature cited by the submitters: PubMed 25700310; PubMed 16971658; PubMed 25536396; DOI 10.1101/576918.

NM_000458.4(HNF1B):c.818G>A (p.Cys273Tyr)

Gene: HNF1B (HNF1 homeobox B; minus strand). Cytogenetic location: 17q12.
Variant type: single nucleotide variant.
Coding change: c.818G>A on transcript NM_000458.4 (MANE Select); coding-DNA position 818, G replaced by A.
Protein change: p.Cys273Tyr; replaces cysteine 273 with tyrosine.
Molecular consequence: missense variant.
Genome position (GRCh38, 1-based): chr17:37,731,822, C>T on the plus strand (G>A on the coding strand, the complement: HNF1B is on the minus strand). VCF-style: chr17-37731822-C-T. GRCh37 (hg19) VCF-style: chr17-36091813-C-T.
Other names: c.740G>A, p.Cys247Tyr (NM_001165923.4, NM_001304286.2); short protein forms C273Y, C247Y.
Identifiers: ClinVar variation 635644 (VCV000635644.1), dbSNP rs2511802356, ClinGen allele CA398747110.
Genomic context (GRCh38, chr17:37,731,822, plus strand): 5'-TCAGTGACCAAGTTGGAGCCCAGGCCGTGGGCTTTGGAGGGGGACACCCCTCGCTGCAAA[C>T]ATTCTGCCCTGGGAATGGATGGAGGGGAGATGGTGAGTGAGGGGGGGCGGGGGGACTTGT-3'
Protein context (NP_000449.1, residues 263-283): ALVEECNRAE[Cys273Tyr]LQRGVSPSKA